The following is an entry in ClinVar:

NM_020738.4(KIDINS220):c.1914A>G (p.Arg638=)

Gene: KIDINS220 (kinase D interacting substrate 220; minus strand). Cytogenetic location: 2p25.1.
Variant type: single nucleotide variant.
Coding change: c.1914A>G on transcript NM_020738.4 (MANE Select); coding-DNA position 1914, A replaced by G.
Protein change: p.Arg638=; no amino-acid change (arginine 638 retained).
Molecular consequence: synonymous variant. On other transcripts: non-coding transcript variant (2).
Genome position (GRCh38, 1-based): chr2:8,786,231, T>C on the plus strand (A>G on the coding strand, the complement: KIDINS220 is on the minus strand). VCF-style: chr2-8786231-T-C. GRCh37 (hg19) VCF-style: chr2-8926361-T-C.
Other names: c.1917A>G, p.Arg639= (NM_001348729.2, NM_001348731.2, NM_001348734.2 and 3 more transcripts); c.1914A>G, p.Arg638= (NM_001348732.2, NM_001348735.2, NM_001348738.2 and 3 more transcripts); c.1788A>G, p.Arg596= (NM_001348736.2).
Identifiers: ClinVar variation 3356582 (VCV003356582.1).

ClinVar aggregate classification (germline): Likely benign (0 of 4 stars; one submission).

Conditions:
KIDINS220-related disorder. Also called: KIDINS220-related condition.

gnomAD v4.1: 1 of 1,614,136 alleles (0.000062%); highest among the groups gnomAD compares: South Asian, 0.0011%; no homozygotes.

Submission:

PreventionGenetics, part of Exact Sciences
Classification: Likely benign for KIDINS220-related condition. Last evaluated: 2023-03-15. Review status: no assertion criteria provided. Collection method: clinical testing. Allele origin: germline.
Comment: This variant is classified as likely benign based on ACMG/AMP sequence variant interpretation guidelines (Richards et al. 2015 PMID: 25741868, with internal and published modifications).